The following is an entry in ClinVar:

ClinVar aggregate classification (germline): Uncertain significance. Review status: criteria provided, multiple submitters, no conflicts (2 of 4 stars). 4 submissions from 4 submitters: Uncertain significance (4). Last evaluated 2025-01-21.

Conditions:
Inborn genetic diseases. Identifiers: MedGen C0950123, MeSH D030342.
FRAS1-related disorder. Also called: FRAS1-related condition.

Allele frequency attached by ClinVar (database versions not stated): 1000 Genomes Project 30x 0.00016; ESP Exome Variant Server 0.00024.
gnomAD v4.1: 549 of 1,594,338 alleles (0.034%); highest among the groups gnomAD compares: Middle Eastern, 0.05%; no homozygotes.

Submissions (4):

PreventionGenetics, part of Exact Sciences
Classification: Uncertain significance for FRAS1-related condition. Last evaluated: 2025-01-21. Review status: criteria provided, single submitter. Criteria: ACMG Guidelines, 2015. Collection method: clinical testing. Allele origin: germline.
Comment: The FRAS1 c.10426G>A variant is predicted to result in the amino acid substitution p.Val3476Met. To our knowledge, this variant has not been reported in the literature. This variant is reported in 0.10% of alleles in individuals of European (Finnish) descent in gnomAD. Although we suspect that this variant may be benign, at this time, the clinical significance of this variant is uncertain due to the absence of conclusive functional and genetic evidence.

Blueprint Genetics
Classification: Uncertain significance. Last evaluated: 2024-11-26. Review status: criteria provided, single submitter. Criteria: ACMG Guidelines, 2015. Collection method: clinical testing. Allele origin: germline.

Labcorp Genetics (formerly Invitae), Labcorp
Classification: Uncertain significance. Last evaluated: 2022-08-20. Review status: criteria provided, single submitter. Criteria: Invitae Variant Classification Sherloc (09022015). Collection method: clinical testing. Allele origin: germline.
Comment: This sequence change replaces valine, which is neutral and non-polar, with methionine, which is neutral and non-polar, at codon 3476 of the FRAS1 protein (p.Val3476Met). This variant is present in population databases (rs201963922, gnomAD 0.09%), and has an allele count higher than expected for a pathogenic variant. This variant has not been reported in the literature in individuals affected with FRAS1-related conditions. ClinVar contains an entry for this variant (Variation ID: 1432261). Algorithms developed to predict the effect of missense changes on protein structure and function are either unavailable or do not agree on the potential impact of this missense change (SIFT: "Deleterious"; PolyPhen-2: "Possibly Damaging"; Align-GVGD: "Class C15"). In summary, the available evidence is currently insufficient to determine the role of this variant in disease. Therefore, it has been classified as a Variant of Uncertain Significance.

Ambry Genetics
Classification: Uncertain significance for Inborn genetic diseases. Last evaluated: 2021-07-13. Review status: criteria provided, single submitter. Criteria: Ambry Variant Classification Scheme 2023. Collection method: clinical testing. Allele origin: germline.

NM_025074.7(FRAS1):c.10426G>A (p.Val3476Met)

Gene: FRAS1 (Fraser extracellular matrix complex subunit 1; plus strand). Cytogenetic location: 4q21.21.
Variant type: single nucleotide variant.
Coding change: c.10426G>A on transcript NM_025074.7 (MANE Select); coding-DNA position 10426, G replaced by A.
Protein change: p.Val3476Met; replaces valine 3476 with methionine.
Molecular consequence: missense variant.
Genome position (GRCh38, 1-based): chr4:78,519,367, G>A. VCF-style: chr4-78519367-G-A. GRCh37 (hg19) VCF-style: chr4-79440521-G-A.
Other names: c.10426G>A (NM_025074.6); short protein forms V3476M.
Identifiers: ClinVar variation 1432261 (VCV001432261.6), dbSNP rs201963922, ClinGen allele CA2978964.